The following is an entry in ClinVar:

ClinVar aggregate classification (germline): Uncertain significance (1 of 4 stars; one submission).

Conditions:
Hereditary hemorrhagic telangiectasia (HHT). Also called: ORW DISEASE; Osler Weber Rendu syndrome; OSLER-RENDU-WEBER DISEASE; Osler hemorrhagic telangiectasia syndrome. Identifiers: Orphanet 774, MedGen C0039445, MONDO:0019180. Disease mechanism: loss of function.

Submission:

Labcorp Genetics (formerly Invitae), Labcorp
Classification: Uncertain significance for Hereditary hemorrhagic telangiectasia. Last evaluated: 2023-05-24. Review status: criteria provided, single submitter. Criteria: Invitae Variant Classification Sherloc (09022015). Collection method: clinical testing. Allele origin: germline.
Comment: This variant occurs in a non-coding region of the ENG gene. It does not change the encoded amino acid sequence of the ENG protein. This variant is not present in population databases (gnomAD no frequency). This variant has not been reported in the literature in individuals affected with ENG-related conditions. In summary, the available evidence is currently insufficient to determine the role of this variant in disease. Therefore, it has been classified as a Variant of Uncertain Significance.

NM_001114753.3(ENG):c.-141G>T

Gene: ENG (endoglin; minus strand). Cytogenetic location: 9q34.11.
Variant type: single nucleotide variant.
Coding change: c.-141G>T on transcript NM_001114753.3 (MANE Select); 141 bases upstream of the start codon, G replaced by T.
Molecular consequence: 5 prime UTR variant.
Genome position (GRCh38, 1-based): chr9:127,854,496, C>A on the plus strand (G>T on the coding strand, the complement: ENG is on the minus strand). VCF-style: chr9-127854496-C-A. GRCh37 (hg19) VCF-style: chr9-130616775-C-A.
Other names: c.-141G>T (NM_000118.4, NM_001406715.1).
Identifiers: ClinVar variation 2701860 (VCV002701860.3), dbSNP rs1829100251, ClinGen allele CA2697558093.
Genomic context (GRCh38, chr9:127,854,496, plus strand): 5'-GGGCTCGCACGGGGACCCGAGGGGAGCAGGCGGCCGGAGCGACGGCGTCCCTGCTCCAGC[C>A]TTCTGGGGTGGCGGCCGAGGGGTCAGGAGAAGTGGACACAGGGACGCGGGGCTGGGCTGG-3'